The following is an entry in ClinVar:

ClinVar aggregate classification (germline): Conflicting classifications of pathogenicity. Review status: criteria provided, conflicting classifications (1 of 4 stars). 5 submissions from 5 submitters: Uncertain significance (1); Likely benign (3). 1 of the submissions does not count toward it. Last evaluated 2026-04-01.

Conditions:
Neuropathy, hereditary motor and sensory, type 6B (HMSN6B). Also called: HMSN VIB; CHARCOT-MARIE-TOOTH DISEASE, TYPE 6B; NEUROPATHY, HEREDITARY MOTOR AND SENSORY, TYPE VIB, WITH OPTIC ATROPHY; Neuropathy, hereditary motor and sensory, type VIB. Identifiers: MedGen C4225302, MONDO:0014671, OMIM 616505.
SLC25A46-related disorder. Also called: SLC25A46-related condition.
Inborn genetic diseases. Identifiers: MedGen C0950123, MeSH D030342.

Allele frequency attached by ClinVar (database versions not stated): ExAC 0.00004; gnomAD exomes 0.00008 and 0.00013; gnomAD 0.00009; TOPMed 0.00015; ESP Exome Variant Server 0.00023.
gnomAD v4.1: 191 of 1,560,014 alleles (0.012%); highest among the groups gnomAD compares: Non-Finnish European, 0.016%; no homozygotes.

Submissions (5):

CeGaT Center for Human Genetics Tuebingen
Classification: Likely benign. Last evaluated: 2026-04-01. Review status: criteria provided, single submitter. Criteria: CeGaT Center For Human Genetics Tuebingen Variant Classification Criteria Version 2. Collection method: clinical testing. Allele origin: germline. Affected: yes. Observed: 2 variant alleles.
Comment: SLC25A46: BP4

Labcorp Genetics (formerly Invitae), Labcorp
Classification: Likely benign for Neuropathy, hereditary motor and sensory, type 6B. Last evaluated: 2025-10-26. Review status: criteria provided, single submitter. Criteria: Invitae Variant Classification Sherloc (09022015). Collection method: clinical testing. Allele origin: germline.

Blueprint Genetics
Classification: Likely benign. Last evaluated: 2024-02-14. Review status: criteria provided, single submitter. Criteria: ACMG Guidelines, 2015. Collection method: clinical testing. Allele origin: germline.

Ambry Genetics
Classification: Uncertain significance for Inborn genetic diseases. Last evaluated: 2019-09-18. Review status: criteria provided, single submitter. Criteria: Ambry Variant Classification Scheme 2023. Collection method: clinical testing. Allele origin: germline.
Comment: The c.385-4A>G intronic variant results from an A to G substitution 4 nucleotides upstream from coding exon 4 in the SLC25A46 gene. This nucleotide position is not well conserved in available vertebrate species. Using the BDGP and ESEfinder splice site prediction tools, this alteration is not predicted to have any significant effect on this splice acceptor site; however, direct evidence is unavailable. Since supporting evidence is limited at this time, the clinical significance of this alteration remains unclear.

PreventionGenetics, part of Exact Sciences
Classification: Likely benign for SLC25A46-related condition. Last evaluated: 2019-06-07. Review status: no assertion criteria provided. Collection method: clinical testing. Allele origin: germline. Not counted in ClinVar's aggregate classification.
Comment: This variant is classified as likely benign based on ACMG/AMP sequence variant interpretation guidelines (Richards et al. 2015 PMID: 25741868, with internal and published modifications).

NM_138773.4(SLC25A46):c.385-4A>G

Gene: SLC25A46 (solute carrier family 25 member 46; plus strand). Cytogenetic location: 5q22.1.
Variant type: single nucleotide variant.
Coding change: c.385-4A>G on transcript NM_138773.4 (MANE Select); 4 bases into the intron before coding-DNA position 385, A replaced by G.
Molecular consequence: intron variant.
Genome position (GRCh38, 1-based): chr5:110,746,265, A>G. VCF-style: chr5-110746265-A-G. GRCh37 (hg19) VCF-style: chr5-110081966-A-G.
Other names: c.112-4A>G (NM_001303250.3); c.385-4A>G (NM_001303249.3, NM_138773.3).
Identifiers: ClinVar variation 475794 (VCV000475794.40), dbSNP rs377289513, ClinGen allele CA3364585.